The following is an entry in ClinVar:

ClinVar aggregate classification (germline): Uncertain significance. Review status: criteria provided, multiple submitters, no conflicts (2 of 4 stars). 2 submissions from 2 submitters: Uncertain significance (2). Last evaluated 2025-01-01.

Conditions:
Inborn genetic diseases. Identifiers: MedGen C0950123, MeSH D030342.

gnomAD v4.1: 3 of 1,613,048 alleles (0.00019%); highest among the groups gnomAD compares: Admixed American, 0.0017%; no homozygotes.

Submissions (2):

Ambry Genetics
Classification: Uncertain significance for Inborn genetic diseases. Last evaluated: 2025-01-01. Review status: criteria provided, single submitter. Criteria: Ambry Variant Classification Scheme 2023. Collection method: clinical testing. Allele origin: germline.

Labcorp Genetics (formerly Invitae), Labcorp
Classification: Uncertain significance. Last evaluated: 2024-10-19. Review status: criteria provided, single submitter. Criteria: Invitae Variant Classification Sherloc (09022015). Collection method: clinical testing. Allele origin: germline.
Comment: This sequence change replaces serine, which is neutral and polar, with arginine, which is basic and polar, at codon 472 of the CFB protein (p.Ser472Arg). This variant is present in population databases (rs770384275, gnomAD 0.009%). This variant has not been reported in the literature in individuals affected with CFB-related conditions. Invitae Evidence Modeling of protein sequence and biophysical properties (such as structural, functional, and spatial information, amino acid conservation, physicochemical variation, residue mobility, and thermodynamic stability) indicates that this missense variant is not expected to disrupt CFB protein function with a negative predictive value of 80%. In summary, the available evidence is currently insufficient to determine the role of this variant in disease. Therefore, it has been classified as a Variant of Uncertain Significance.

NM_001710.6(CFB):c.1414A>C (p.Ser472Arg)

Gene: CFB (complement factor B; plus strand). Cytogenetic location: 6p21.33.
Variant type: single nucleotide variant.
Coding change: c.1414A>C on transcript NM_001710.6 (MANE Select); coding-DNA position 1414, A replaced by C.
Protein change: p.Ser472Arg; replaces serine 472 with arginine.
Molecular consequence: missense variant.
Genome position (GRCh38, 1-based): chr6:31,950,055, A>C. VCF-style: chr6-31950055-A-C. GRCh37 (hg19) VCF-style: chr6-31917832-A-C.
Other names: short protein forms S472R.
Identifiers: ClinVar variation 3725701 (VCV003725701.3).